The following is an entry in ClinVar:

NM_000482.4(APOA4):c.216C>T (p.Tyr72=)

Gene: APOA4 (apolipoprotein A4; minus strand). Cytogenetic location: 11q23.3.
Variant type: single nucleotide variant.
Coding change: c.216C>T on transcript NM_000482.4 (MANE Select); coding-DNA position 216, C replaced by T.
Protein change: p.Tyr72=; no amino-acid change (tyrosine 72 retained).
Molecular consequence: synonymous variant.
Genome position (GRCh38, 1-based): chr11:116,821,842, G>A on the plus strand (C>T on the coding strand, the complement: APOA4 is on the minus strand). VCF-style: chr11-116821842-G-A. GRCh37 (hg19) VCF-style: chr11-116692558-G-A.
Identifiers: ClinVar variation 1291256 (VCV001291256.12), dbSNP rs5101, ClinGen allele CA6289483.

ClinVar aggregate classification (germline): Benign. Review status: criteria provided, multiple submitters, no conflicts (2 of 4 stars). 4 submissions from 4 submitters: Benign (3). 1 of the submissions does not count toward it. Last evaluated 2026-02-02.

Conditions:
APOA4-related disorder. Also called: APOA4-related condition.

Allele frequency attached by ClinVar (database versions not stated): gnomAD 0.08113 and 0.08703; TOPMed 0.09308; ESP Exome Variant Server 0.09389; 1000 Genomes Project 0.09744; 1000 Genomes Project 30x 0.10275.

Submissions (4):

Labcorp Genetics (formerly Invitae), Labcorp
Classification: Benign. Last evaluated: 2026-02-02. Review status: criteria provided, single submitter. Criteria: Invitae Variant Classification Sherloc (09022015). Collection method: clinical testing. Allele origin: germline.

GeneDx
Classification: Benign. Last evaluated: 2021-05-04. Review status: criteria provided, single submitter. Criteria: GeneDx Variant Classification Process June 2021. Collection method: clinical testing. Allele origin: germline. Affected: yes.

Breakthrough Genomics
Classification: Benign. Review status: criteria provided, single submitter. Criteria: ACMG Guidelines, 2015. Collection method: not provided. Allele origin: germline. Inheritance: Unknown mechanism. Affected: yes.

PreventionGenetics, part of Exact Sciences
Classification: Benign for APOA4-related condition. Last evaluated: 2019-03-29. Review status: no assertion criteria provided. Collection method: clinical testing. Allele origin: germline. Not counted in ClinVar's aggregate classification.
Comment: This variant is classified as benign based on ACMG/AMP sequence variant interpretation guidelines (Richards et al. 2015 PMID: 25741868, with internal and published modifications).